The following is an entry in ClinVar:

ClinVar aggregate classification (germline): Uncertain significance (1 of 4 stars; one submission).

Allele frequency attached by ClinVar (database versions not stated): gnomAD exomes 0.00001; ExAC 0.00003; gnomAD 0.00003; 1000 Genomes Project 30x 0.00016; 1000 Genomes Project 0.00020.

Submission:

Labcorp Genetics (formerly Invitae), Labcorp
Classification: Uncertain significance. Last evaluated: 2022-08-08. Review status: criteria provided, single submitter. Criteria: Invitae Variant Classification Sherloc (09022015). Collection method: clinical testing. Allele origin: germline.
Comment: Algorithms developed to predict the effect of sequence changes on RNA splicing suggest that this variant may disrupt the consensus splice site. This variant has not been reported in the literature in individuals affected with CFB-related conditions. This variant is present in population databases (rs536702679, gnomAD 0.01%). This sequence change falls in intron 3 of the CFB gene. It does not directly change the encoded amino acid sequence of the CFB protein. In summary, the available evidence is currently insufficient to determine the role of this variant in disease. Therefore, it has been classified as a Variant of Uncertain Significance.

NM_001710.6(CFB):c.485-20G>A

Gene: CFB (complement factor B; plus strand). Cytogenetic location: 6p21.33.
Variant type: single nucleotide variant.
Coding change: c.485-20G>A on transcript NM_001710.6 (MANE Select); 20 bases into the intron before coding-DNA position 485, G replaced by A.
Molecular consequence: intron variant.
Genome position (GRCh38, 1-based): chr6:31,947,328, G>A. VCF-style: chr6-31947328-G-A. GRCh37 (hg19) VCF-style: chr6-31915105-G-A.
Identifiers: ClinVar variation 2044619 (VCV002044619.4), dbSNP rs536702679, ClinGen allele CA3728059.
Genomic context (GRCh38, chr6:31,947,328, plus strand): 5'-GACACTGTAACTCTTGCTCTCTACCTTGCTCACGGGGCCTCAGGCTTCAGTGCTTACCTC[G>A]ATGTCTCATACCTCTGCAGCGGGGTACTGCTCCAACCCGGGCATCCCCATTGGCACAAGG-3'